The following is an entry in ClinVar:

NM_000552.5(VWF):c.1311C>A (p.Asp437Glu)

Gene: VWF (von Willebrand factor; minus strand). Cytogenetic location: 12p13.31.
Variant type: single nucleotide variant.
Coding change: c.1311C>A on transcript NM_000552.5 (MANE Select); coding-DNA position 1311, C replaced by A.
Protein change: p.Asp437Glu; replaces aspartic acid 437 with glutamic acid.
Molecular consequence: missense variant.
Genome position (GRCh38, 1-based): chr12:6,064,367, G>T on the plus strand (C>A on the coding strand, the complement: VWF is on the minus strand). VCF-style: chr12-6064367-G-T. GRCh37 (hg19) VCF-style: chr12-6173533-G-T.
Other names: c.1311C>A (NM_000552.3); short protein forms D437E.
Identifiers: ClinVar variation 1703814 (VCV001703814.3), dbSNP rs374722386, ClinGen allele CA232314110.

ClinVar aggregate classification (germline): Uncertain significance. Review status: criteria provided, multiple submitters, no conflicts (2 of 4 stars). 3 submissions from 3 submitters: Uncertain significance (3). Last evaluated 2026-02-26.

Conditions:
Inborn genetic diseases. Identifiers: MedGen C0950123, MeSH D030342.
von Willebrand disease type 2 (VWD2). Also called: VON WILLEBRAND DISEASE, TYPE 2A/IIE; VON WILLEBRAND DISEASE, TYPE 2CB; VWD, TYPE 2; VON WILLEBRAND DISEASE, TYPE II. Identifiers: Orphanet 166081, Orphanet 903, MedGen C1264040, MONDO:0013304, OMIM 613554.

gnomAD v4.1: 11 of 1,613,998 alleles (0.00068%); highest among the groups gnomAD compares: East Asian, 0.011%; no homozygotes.

Submissions (3):

Women's Health and Genetics/Laboratory Corporation of America, LabCorp
Classification: Uncertain significance. Last evaluated: 2026-02-26. Review status: criteria provided, single submitter. Criteria: LabCorp Variant Classification Summary - May 2015. Collection method: clinical testing. Allele origin: germline.
Comment: Variant summary: VWF c.1311C>A (p.Asp437Glu) results in a conservative amino acid change located in the D2 domain (IPR001846) within the propeptide region (PMID: 20409624) of the encoded protein sequence. Algorithms developed to predict the effect of missense changes on protein structure and function are either unavailable or do not agree on the potential impact of this missense change. The variant allele was found at a frequency of 6.8e-06 in 1607002 control chromosomes (gnomAD). This frequency is not significantly higher than estimated for disease-causing variants in VWF, allowing no conclusion about variant significance. To our knowledge, no occurrence of c.1311C>A in individuals affected with VWF-related conditions and no experimental evidence demonstrating its impact on protein function have been reported. ClinVar contains an entry for this variant (Variation ID: 1703814). Based on the evidence outlined above, the variant was classified as uncertain significance.

Ambry Genetics
Classification: Uncertain significance for Inborn genetic diseases. Last evaluated: 2025-05-19. Review status: criteria provided, single submitter. Criteria: Ambry Variant Classification Scheme 2023. Collection method: clinical testing. Allele origin: germline.

ISTH-SSC Genomics in Thrombosis and Hemostasis, KU Leuven, Center for Molecular and Vascular Biology
Classification: Uncertain significance for von Willebrand disease type 2. Review status: criteria provided, single submitter. Criteria: ACMG Guidelines, 2015. Collection method: clinical testing. Allele origin: germline. Affected: yes. Observed: 1 compound heterozygote.
Comment: Submitted to GoldVariant by Kathleen Freson, Center for Molecular and Vascular Biology, Leuven, Belgium